The following is an entry in ClinVar:

ClinVar aggregate classification (germline): Uncertain significance (1 of 4 stars; one submission).

gnomAD v4.1: 1 of 1,614,168 alleles (0.000062%); no homozygotes.

Submission:

Labcorp Genetics (formerly Invitae), Labcorp
Classification: Uncertain significance. Last evaluated: 2025-01-29. Review status: criteria provided, single submitter. Criteria: Invitae Variant Classification Sherloc (09022015). Collection method: clinical testing. Allele origin: germline.
Comment: This sequence change replaces threonine, which is neutral and polar, with alanine, which is neutral and non-polar, at codon 1499 of the COL4A3 protein (p.Thr1499Ala). This variant is not present in population databases (gnomAD no frequency). This variant has not been reported in the literature in individuals affected with COL4A3-related conditions. Invitae Evidence Modeling of protein sequence and biophysical properties (such as structural, functional, and spatial information, amino acid conservation, physicochemical variation, residue mobility, and thermodynamic stability) has been performed for this missense variant. However, the output from this modeling did not meet the statistical confidence thresholds required to predict the impact of this variant on COL4A3 protein function. In summary, the available evidence is currently insufficient to determine the role of this variant in disease. Therefore, it has been classified as a Variant of Uncertain Significance.

NM_000091.5(COL4A3):c.4495A>G (p.Thr1499Ala)

Genes: COL4A3 (collagen type IV alpha 3 chain; plus strand), MFF-DT (MFF divergent transcript; minus strand). Cytogenetic location: 2q36.3.
Variant type: single nucleotide variant.
Coding change: c.4495A>G on transcript NM_000091.5 (MANE Select); coding-DNA position 4495, A replaced by G.
Protein change: p.Thr1499Ala; replaces threonine 1499 with alanine.
Molecular consequence: missense variant.
Genome position (GRCh38, 1-based): chr2:227,308,931, A>G. VCF-style: chr2-227308931-A-G. GRCh37 (hg19) VCF-style: chr2-228173647-A-G.
Other names: short protein forms T1499A.
Identifiers: ClinVar variation 3674896 (VCV003674896.2).